The following is an entry in ClinVar:

NM_001130823.3(DNMT1):c.917C>A (p.Pro306His)

Gene: DNMT1 (DNA methyltransferase 1; minus strand). Cytogenetic location: 19p13.2.
Variant type: single nucleotide variant.
Coding change: c.917C>A on transcript NM_001130823.3 (MANE Select); coding-DNA position 917, C replaced by A.
Protein change: p.Pro306His; replaces proline 306 with histidine.
Molecular consequence: missense variant.
Genome position (GRCh38, 1-based): chr19:10,163,335, G>T on the plus strand (C>A on the coding strand, the complement: DNMT1 is on the minus strand). VCF-style: chr19-10163335-G-T. GRCh37 (hg19) VCF-style: chr19-10274011-G-T.
Other names: c.869C>A, p.Pro290His (NM_001318730.2, NM_001379.4); c.554C>A, p.Pro185His (NM_001318731.2); short protein forms P306H, P185H, P290H.
Identifiers: ClinVar variation 1764333 (VCV001764333.2), dbSNP rs2513847148, ClinGen allele CA403940972.
Genomic context (GRCh38, chr19:10,163,335, plus strand): 5'-GCTTTCTACTGATCCAGATGACACAAAAGCACAAGCATTTTAAACACTTACAGATCTTTG[G>T]GTTGACTTCTGTGCTTCTTCTCATCCTGACAGAAAAATAAGGGGGAGGTAGAGAGATAAA-3'
Protein context (NP_001124295.1, residues 296-316): EKDEKKHRSQ[Pro306His]KDLAAKRRPE

ClinVar aggregate classification (germline): Uncertain significance (1 of 4 stars; one submission).

Conditions:
Inborn genetic diseases. Identifiers: MedGen C0950123, MeSH D030342.

Submission:

Ambry Genetics
Classification: Uncertain significance for Inborn genetic diseases. Last evaluated: 2020-03-20. Review status: criteria provided, single submitter. Criteria: Ambry Variant Classification Scheme 2023. Collection method: clinical testing. Allele origin: germline.
Comment: The p.P290H variant (also known as c.869C>A), located in coding exon 11 of the DNMT1 gene, results from a C to A substitution at nucleotide position 869. The proline at codon 290 is replaced by histidine, an amino acid with similar properties. This amino acid position is well conserved in available vertebrate species. In addition, this alteration is predicted to be tolerated by in silico analysis. Since supporting evidence is limited at this time, the clinical significance of this alteration remains unclear.